The following is an entry in ClinVar:

NM_024426.6(WT1):c.514C>T (p.Gln172Ter)

Genes: WT1 (WT1 transcription factor; minus strand), LOC107982234 (WT1/WT1-AS bi-directional promoter region; plus strand). Cytogenetic location: 11p13.
Variant type: single nucleotide variant.
Coding change: c.514C>T on transcript NM_024426.6 (MANE Select); coding-DNA position 514, C replaced by T.
Protein change: p.Gln172Ter; replaces glutamine 172 with a stop codon.
Molecular consequence: nonsense. On other transcripts: non-coding transcript variant (1).
Genome position (GRCh38, 1-based): chr11:32,434,847, G>A on the plus strand (C>T on the coding strand, the complement: WT1 is on the minus strand). VCF-style: chr11-32434847-G-A. GRCh37 (hg19) VCF-style: chr11-32456393-G-A.
Other names: c.514C>T, p.Gln172Ter (NM_000378.6, NM_001407044.1, NM_001407045.1 and 6 more transcripts); c.499C>T, p.Gln167Ter (NM_024425.2); short protein forms Q167*, Q172*.
Identifiers: ClinVar variation 2134883 (VCV002134883.4), dbSNP rs2494478145, ClinGen allele CA379964814.

ClinVar aggregate classification (germline): Pathogenic (1 of 4 stars; one submission).

Conditions:
Drash syndrome (DDS). Also called: WILMS TUMOR AND PSEUDO- OR TRUE HERMAPHRODITISM; NEPHROPATHY, WILMS TUMOR, AND GENITAL ANOMALIES. Identifiers: Orphanet 220, MedGen C0950121, MONDO:0008682, OMIM 194080.
Frasier syndrome. Identifiers: Orphanet 347, MedGen C0950122, MeSH D052159, MONDO:0007635, OMIM 136680.
Wilms tumor 1 (WT1). Also called: Wilms tumor, somatic. Identifiers: Orphanet 654, MedGen CN033288, MONDO:0008679, OMIM 194070.
11p partial monosomy syndrome (WAGR). Also called: WAGR syndrome; CHROMOSOME 11p13 DELETION SYNDROME; WAGR Complex; WAGR Spectrum Disorder. Identifiers: Orphanet 893, MedGen C0206115, MONDO:0008681, OMIM 194072.

Submission:

Labcorp Genetics (formerly Invitae), Labcorp
Classification: Pathogenic for Wilms tumor 1; Drash syndrome; 11p partial monosomy syndrome; Frasier syndrome. Last evaluated: 2024-04-14. Review status: criteria provided, single submitter. Criteria: Invitae Variant Classification Sherloc (09022015). Collection method: clinical testing. Allele origin: germline.
Comment: This sequence change creates a premature translational stop signal (p.Gln167*) in the WT1 gene. It is expected to result in an absent or disrupted protein product. Loss-of-function variants in WT1 are known to be pathogenic (PMID: 15150775). This variant is not present in population databases (gnomAD no frequency). This variant has not been reported in the literature in individuals affected with WT1-related conditions. ClinVar contains an entry for this variant (Variation ID: 2134883). For these reasons, this variant has been classified as Pathogenic.

Literature cited by the submitters: PubMed 15150775.